The following is an entry in ClinVar:

ClinVar aggregate classification (germline): Benign/Likely benign. Review status: criteria provided, multiple submitters, no conflicts (2 of 4 stars). 3 submissions from 3 submitters: Benign (1); Likely benign (2). Last evaluated 2024-10-18.

Conditions:
Hereditary cancer-predisposing syndrome. Also called: Neoplastic Syndromes, Hereditary; Tumor predisposition; Hereditary Cancer Syndrome; Hereditary neoplastic syndrome. Identifiers: Orphanet 140162, MedGen C0027672, MeSH D009386, MONDO:0015356.
Hereditary leiomyomatosis and renal cell cancer. Also called: MULTIPLE CUTANEOUS AND UTERINE LEIOMYOMATA 1, WITH OR WITHOUT RENAL CELL CARCINOMA; LEIOMYOMA, MULTIPLE CUTANEOUS; Reed syndrome; Multiple cutaneous and uterine leiomyomatosis; Cutaneous leiomyomata with uterine leiomyomata; Leiomyoma, hereditary multiple, of skin. Identifiers: Orphanet 523, MedGen C1708350, MONDO:0007888, OMIM 150800, HP:0007437. Disease mechanism: loss of function.

Allele frequency attached by ClinVar (database versions not stated): gnomAD exomes below 0.00001.
gnomAD v4.1: 1 of 1,612,958 alleles (0.000062%); highest among the groups gnomAD compares: African/African-American, 0.0013%; no homozygotes.

Submissions (3):

Myriad Genetics, Inc.
Classification: Benign for Hereditary leiomyomatosis and renal cell cancer. Last evaluated: 2024-10-18. Review status: criteria provided, single submitter. Criteria: Myriad Autosomal Dominant, Autosomal Recessive and X-Linked Classification Criteria (2023). Collection method: clinical testing. Allele origin: unknown.
Comment: This variant is considered benign. This variant is a silent/synonymous amino acid change and it is not expected to impact splicing.

Labcorp Genetics (formerly Invitae), Labcorp
Classification: Likely benign. Last evaluated: 2024-02-12. Review status: criteria provided, single submitter. Criteria: Invitae Variant Classification Sherloc (09022015). Collection method: clinical testing. Allele origin: germline.

Ambry Genetics
Classification: Likely benign for Hereditary cancer-predisposing syndrome. Last evaluated: 2022-07-10. Review status: criteria provided, single submitter. Criteria: Ambry Variant Classification Scheme 2023. Collection method: clinical testing. Allele origin: germline.

NM_000143.4(FH):c.750T>C (p.Gly250=)

Gene: FH (fumarate hydratase; minus strand). Cytogenetic location: 1q43.
Variant type: single nucleotide variant.
Coding change: c.750T>C on transcript NM_000143.4 (MANE Select); coding-DNA position 750, T replaced by C.
Protein change: p.Gly250=; no amino-acid change (glycine 250 retained).
Molecular consequence: synonymous variant.
Genome position (GRCh38, 1-based): chr1:241,506,157, A>G on the plus strand (T>C on the coding strand, the complement: FH is on the minus strand). VCF-style: chr1-241506157-A-G. GRCh37 (hg19) VCF-style: chr1-241669457-A-G.
Identifiers: ClinVar variation 1759273 (VCV001759273.6), dbSNP rs2527323146, ClinGen allele CA424075978.
Genomic context (GRCh38, chr1:241,506,157, plus strand): 5'-ATAGATTCTTGGCATGGCAGCTTTTATTCTTGTCATTGCATATTTTACTTGTTGAACATA[A>G]CCACTAAATTCCTGAAAAGAAAAGAAAATTAAGGTAAGAATAAGTAATTCCTAATAGCTT-3'
Protein context (NP_000134.2, residues 240-260): VPLTLGQEFS[Gly250=]YVQQVKYAMT